The following is an entry in ClinVar:

ClinVar aggregate classification (germline): Uncertain significance (1 of 4 stars; one submission).

gnomAD v4.1: 1 of 1,613,956 alleles (0.000062%); highest among the groups gnomAD compares: South Asian, 0.0011%; no homozygotes.

Submission:

GeneDx
Classification: Uncertain significance. Last evaluated: 2024-12-02. Review status: criteria provided, single submitter. Criteria: GeneDx Variant Classification Process June 2021. Collection method: clinical testing. Allele origin: germline. Affected: yes.
Comment: Not observed at significant frequency in large population cohorts (gnomAD); In silico analysis supports that this missense variant has a deleterious effect on protein structure/function; Has not been previously published as pathogenic or benign to our knowledge

NM_001943.5(DSG2):c.322A>G (p.Thr108Ala)

Gene: DSG2 (desmoglein 2; plus strand). Cytogenetic location: 18q12.1.
Variant type: single nucleotide variant.
Coding change: c.322A>G on transcript NM_001943.5 (MANE Select); coding-DNA position 322, A replaced by G.
Protein change: p.Thr108Ala; replaces threonine 108 with alanine.
Molecular consequence: missense variant.
Genome position (GRCh38, 1-based): chr18:31,520,908, A>G. VCF-style: chr18-31520908-A-G. GRCh37 (hg19) VCF-style: chr18-29100871-A-G.
Other names: short protein forms T108A.
Identifiers: ClinVar variation 3900892 (VCV003900892.1).